The following is an entry in ClinVar:

NM_000257.4(MYH7):c.5135G>A (p.Arg1712Gln)

Genes: MHRT (myosin heavy chain associated RNA transcript; plus strand), MYH7 (myosin heavy chain 7; minus strand), LOC126861897 (BRD4-independent group 4 enhancer GRCh37_chr14:23884455-23885654; plus strand). Cytogenetic location: 14q11.2.
Variant type: single nucleotide variant.
Coding change: c.5135G>A on transcript NM_000257.4 (MANE Select); coding-DNA position 5135, G replaced by A.
Protein change: p.Arg1712Gln; replaces arginine 1712 with glutamine.
Molecular consequence: missense variant. On other transcripts: non-coding transcript variant (1).
Genome position (GRCh38, 1-based): chr14:23,415,651, C>T on the plus strand (G>A on the coding strand, the complement: MYH7 is on the minus strand). VCF-style: chr14-23415651-C-T. GRCh37 (hg19) VCF-style: chr14-23884860-C-T.
Other names: p.R1712Q:CGG>CAG; NM_000257.3(MYH7):c.5135G>A; NM_000257.4(MYH7):c.5135G>A; short protein forms R1712Q.
Identifiers: ClinVar variation 36642 (VCV000036642.89), dbSNP rs193922390, ClinGen allele CA015727.

ClinVar aggregate classification (germline): Pathogenic. Review status: reviewed by expert panel (3 of 4 stars). 33 submissions from 33 submitters: Pathogenic (1). 32 of the submissions do not count toward it. Last evaluated 2021-12-09.

Conditions:
MYH7-related disorder. Also called: MYH7-related disorders; MYH7-related condition; MYH7-related disease.
Cardiovascular phenotype. Identifiers: MedGen CN230736.
Myosin storage myopathy (CMYO7A). Also called: SCAPULOPERONEAL MUSCULAR DYSTROPHY; SCAPULOPERONEAL SYNDROME, MYOPATHIC TYPE; MYOPATHY, HYALINE BODY, AUTOSOMAL DOMINANT; Scapuloperoneal myopathy, MYH7-related; MYOPATHY WITH LYSIS OF TYPE I MYOFIBRILS; MYH7-related late-onset scapuloperoneal muscular dystrophy. Identifiers: Orphanet 437572, Orphanet 636965, MedGen C1842160, MONDO:0008409, OMIM 608358.
Myopathy, myosin storage, autosomal recessive (CMYO7B). Also called: CONGENITAL MYOPATHY 7B, MYOSIN STORAGE, AUTOSOMAL RECESSIVE. Identifiers: Orphanet 636970, MedGen C1850709, MONDO:0009708, OMIM 255160.
Hypertrophic cardiomyopathy 1 (CMH1). Also called: Familial hypertrophic cardiomyopathy 1; MYH7-Related Familial Hypertrophic Cardiomyopathy. Identifiers: MedGen C3495498, MONDO:0008647, OMIM 192600.
MYH7-related skeletal myopathy. Also called: Myopathy, distal, 1; MYOPATHY, DISTAL, EARLY-ONSET, AUTOSOMAL DOMINANT; MYOPATHY, LATE DISTAL HEREDITARY; Laing distal myopathy; Laing early-onset distal myopathy. Identifiers: Orphanet 59135, MedGen C4552004, MONDO:0008050, OMIM 160500.
Dilated cardiomyopathy 1S (CMD1S). Identifiers: Orphanet 154, Orphanet 54260, MedGen C1834481, MONDO:0013262, OMIM 613426.
Congenital myopathy with fiber type disproportion. Also called: Congenital fiber-type disproportion myopathy; Congenital fiber-type disproportion. Identifiers: Orphanet 2020, MedGen C0546264, MONDO:0009711. Inheritance: all.
Cardiomyopathy (CMYO). Also called: Cardiomyopathies. Identifiers: Orphanet 167848, MedGen C0878544, MONDO:0004994, HP:0001638. Inheritance: Various modes of inheritance.
Primary familial hypertrophic cardiomyopathy (HCM). Identifiers: Orphanet 99739, MedGen C0949658, MeSH D024741, MONDO:0024573. Inheritance: Various modes of inheritance.
Asymmetric septal hypertrophy. Identifiers: MedGen C0205700, HP:0001670.
Hypertrophic cardiomyopathy. Also called: HYPERTROPHIC MYOCARDIOPATHY. Identifiers: Orphanet 217569, MedGen C0007194, MeSH D002312, MONDO:0005045, HP:0001639.

Allele frequency attached by ClinVar (database versions not stated): ExAC 0.00001; gnomAD 0.00002; TOPMed 0.00002.
gnomAD v4.1: 27 of 1,613,796 alleles (0.0017%); highest among the groups gnomAD compares: East Asian, 0.0022%; no homozygotes.

Submissions 1 to 7 of 33:

ClinGen Cardiomyopathy Variant Curation Expert Panel
Classification: Pathogenic for Hypertrophic cardiomyopathy. Last evaluated: 2021-12-09. Review status: reviewed by expert panel. Criteria: ClinGen CMP ACMG Specifications v1. Collection method: curation. Allele origin: germline. Inheritance: Autosomal dominant inheritance.
Comment: The NM_000257.4(MYH7):c.5135G>A (p.Arg1712Gln) variant has been reported in >30 individuals with HCM (PS4; Miller 2013 PMID: 23054336; Mook 2013 PMID: 23785128; Glotov 2015 PMID: 25892673; Lopes 2015 PMID: 25351510; Helms 2016 PMID: 27688314; Mademont-Soler 2017 PMID: 28771489; Weissler-Snir 2017 PMID: 28193612; van Velzen 2017 PMID: 2879411; van Lint 2019 PMID: 30847666; Tran Vu 2019 PMID: 31308319; Ambry pers. comm.; CHEO pers. comm.; GeneDx pers. comm.; LMM pers. comm.; Mayo pers. comm.; OMGL pers. comm.). This variant segregated with disease in >15 affected relatives with HCM in at least 9 families (PP1_strong; GeneDx pers. comm.; LMM pers. comm.; OMGL pers. comm.). This variant has also been identified in 0.002% (FAF 95% CI; 6/128842) of European chromosomes by gnomAD v2.1.1 (PM2). Computational prediction tools and conservation analyses do not provide strong support for or against an impact to the protein. In summary, this variant meets criteria to be classified as pathogenic for hypertrophic cardiomyopathy in an autosomal dominant manner. MYH7-specific ACMG/AMP criteria applied (PMID:29300372): PS4, PP1_strong, PM2.

Labcorp Genetics (formerly Invitae), Labcorp
Classification: Pathogenic for Hypertrophic cardiomyopathy. Last evaluated: 2026-01-24. Review status: criteria provided, single submitter. Criteria: Invitae Variant Classification Sherloc (09022015). Collection method: clinical testing. Allele origin: germline. Not counted in ClinVar's aggregate classification.
Comment: This sequence change replaces arginine, which is basic and polar, with glutamine, which is neutral and polar, at codon 1712 of the MYH7 protein (p.Arg1712Gln). This variant is present in population databases (rs193922390, gnomAD 0.005%). This missense change has been observed in individuals with hypertrophic cardiomyopathy (PMID: 18403758, 21511876, 23785128, 24510615, 27247418, 27532257, 31308319, 32894683). ClinVar contains an entry for this variant (Variation ID: 36642). Invitae Evidence Modeling of protein sequence and biophysical properties (such as structural, functional, and spatial information, amino acid conservation, physicochemical variation, residue mobility, and thermodynamic stability) indicates that this missense variant is expected to disrupt MYH7 protein function with a positive predictive value of 95%. This variant disrupts the p.Arg1712 amino acid residue in MYH7. Other variant(s) that disrupt this residue have been determined to be pathogenic (PMID: 15483641). This suggests that this residue is clinically significant, and that variants that disrupt this residue are likely to be disease-causing. For these reasons, this variant has been classified as Pathogenic.

Ambry Genetics
Classification: Pathogenic for Cardiovascular phenotype. Last evaluated: 2026-01-08. Review status: criteria provided, single submitter. Criteria: Ambry Variant Classification Scheme 2023. Collection method: clinical testing. Allele origin: germline. Not counted in ClinVar's aggregate classification.
Comment: The c.5135G>A (p.R1712Q) alteration is located in exon 35 (coding exon 33) of the MYH7 gene. This alteration results from a G to A substitution at nucleotide position 5135, causing the arginine (R) at amino acid position 1712 to be replaced by a glutamine (Q). Based on data from gnomAD, the A allele has an overall frequency of 0.002% (6/282354) total alleles studied. The highest observed frequency was 0.005% (6/128842) of European (non-Finnish) alleles. This variant has been reported in multiple individuals with hypertrophic cardiomyopathy (HCM) (Morita, 2008; Gruner, 2011; Mook, 2013; Tran Vu, 2019). One of those individuals also harbored an alteration in another sarcomere protein gene, but no information was provided about the alterations in other affected relatives in the family (Gruner, 2011). This variant was reported not to segregate with disease in a family in the literature (Mook, 2013), and at least two clinical laboratories have observed segregation of this variant with HCM in multiple families (external communications). In addition, this alteration has been described in HCM cohorts, although clinical details were limited (Kapplinger, 2014; Lopes, 2015; Walsh, 2017). This amino acid position is highly conserved in available vertebrate species. The in silico prediction for this alteration is inconclusive. Based on the available evidence, this alteration is classified as pathogenic.

PreventionGenetics, part of Exact Sciences
Classification: Pathogenic for MYH7-related condition. Last evaluated: 2025-12-31. Review status: criteria provided, single submitter. Criteria: ACMG Guidelines, 2015. Collection method: clinical testing. Allele origin: germline. Not counted in ClinVar's aggregate classification.
Comment: The MYH7 c.5135G>A variant is predicted to result in the amino acid substitution p.Arg1712Gln. This variant has been reported in multiple individuals with hypertrophic cardiomyopathy (see for example: Table S1, Walsh et al. 2016. PubMed ID: 27532257; Table S1, Weissler-Snir et al. 2017. PubMed ID: 28193612; Mook et al. 2013. PubMed ID: 23785128). An alternate missense change at this amino acid (p.Arg1712Trp) is reported to be pathogenic (Hougs et al. 2005. PubMed ID: 15483641). This variant is reported in 0.0047% of alleles in individuals of European (non-Finnish) descent in gnomAD. This variant has also been reported as pathogenic by the ClinGen Cardiomyopathy Variant Curation Expert Panel (ClinVar ID: 36642). This variant is interpreted as pathogenic.

Greenwood Genetic Center Diagnostic Laboratories, Greenwood Genetic Center
Classification: Pathogenic for Hypertrophic cardiomyopathy 1. Last evaluated: 2025-05-23. Review status: criteria provided, single submitter. Criteria: ACMG Guidelines, 2015. Collection method: clinical testing. Allele origin: germline. Affected: yes. Not counted in ClinVar's aggregate classification.
Comment: PS4, PM2, PP1_Strong

Institute of Human Genetics, University of Leipzig Medical Center
Classification: Pathogenic for Hypertrophic cardiomyopathy 1. Last evaluated: 2025-03-04. Review status: criteria provided, single submitter. Criteria: ACMG Guidelines, 2015. Collection method: clinical testing. Allele origin: unknown. Inheritance: Autosomal dominant inheritance. Affected: yes. Not counted in ClinVar's aggregate classification.
Comment: Criteria applied: PS4,PP1_STR,PM5,PM2_SUP

Blueprint Genetics
Classification: Pathogenic for MYH7-related disorders. Last evaluated: 2024-11-11. Review status: criteria provided, single submitter. Criteria: ACMG Guidelines, 2015. Collection method: clinical testing. Allele origin: germline. Affected: yes. Observed: 5 variant alleles. Not counted in ClinVar's aggregate classification.